The following is an entry in ClinVar:

NM_004369.4(COL6A3):c.660C>T (p.Ser220=)

Gene: COL6A3 (collagen type VI alpha 3 chain; minus strand). Cytogenetic location: 2q37.3.
Variant type: single nucleotide variant.
Coding change: c.660C>T on transcript NM_004369.4 (MANE Select); coding-DNA position 660, C replaced by T.
Protein change: p.Ser220=; no amino-acid change (serine 220 retained).
Molecular consequence: synonymous variant. On other transcripts: intron variant (4).
Genome position (GRCh38, 1-based): chr2:237,394,636, G>A on the plus strand (C>T on the coding strand, the complement: COL6A3 is on the minus strand). VCF-style: chr2-237394636-G-A. GRCh37 (hg19) VCF-style: chr2-238303279-G-A.
Other names: c.91+2091C>T (NM_057166.5, NM_057167.4, NM_057164.5 and 1 more transcripts).
Identifiers: ClinVar variation 2037762 (VCV002037762.28), dbSNP rs368636382, ClinGen allele CA2189820.

ClinVar aggregate classification (germline): Likely benign. Review status: criteria provided, multiple submitters, no conflicts (2 of 4 stars). 2 submissions from 2 submitters: Likely benign (2). Last evaluated 2025-10-23.

Conditions:
Bethlem myopathy 1A. Also called: MYOPATHY, BENIGN CONGENITAL, WITH CONTRACTURES; Bethlem Muscular Dystrophy; Bethlem myopathy 1. Identifiers: Orphanet 610, MedGen CN029274, MONDO:0024530, OMIM 158810.

Allele frequency attached by ClinVar (database versions not stated): gnomAD exomes 0.00001; ExAC 0.00002; TOPMed 0.00002; gnomAD 0.00003; ESP Exome Variant Server 0.00008.
gnomAD v4.1: 15 of 1,614,022 alleles (0.00093%); highest among the groups gnomAD compares: African/African-American, 0.0093%; no homozygotes.

Submissions (2):

Labcorp Genetics (formerly Invitae), Labcorp
Classification: Likely benign for Bethlem myopathy 1A. Last evaluated: 2025-10-23. Review status: criteria provided, single submitter. Criteria: Invitae Variant Classification Sherloc (09022015). Collection method: clinical testing. Allele origin: germline.

CeGaT Center for Human Genetics Tuebingen
Classification: Likely benign. Last evaluated: 2022-12-01. Review status: criteria provided, single submitter. Criteria: CeGaT Center For Human Genetics Tuebingen Variant Classification Criteria Version 2. Collection method: clinical testing. Allele origin: germline. Affected: yes. Observed: 1 variant allele.
Comment: COL6A3: BP4, BP7